The following is an entry in ClinVar:

Conditions:
Breast-ovarian cancer, familial, susceptibility to, 1 (BROVCA1). Also called: BRCA1 Hereditary Breast and Ovarian Cancer; OVARIAN CANCER, SUSCEPTIBILITY TO. Identifiers: Orphanet 145, MedGen C2676676, MONDO:0011450, OMIM 604370. Disease mechanism: loss of function.

Submission:

Brotman Baty Institute, University of Washington
No classification provided (evidence only). Condition: Breast-ovarian cancer, familial 1. Review status: no classification provided. Collection method: in vitro. Allele origin: not applicable. Functional consequence: functionally_normal.
ClinVar note: "not provided" was previously submitted as the classification for the variant. However, the classification appeared to be based only on an observation of functional data so it was converted to no classification on 2025-07-30.

NM_007294.4(BRCA1):c.5278-6T>A

Gene: BRCA1 (BRCA1 DNA repair associated; minus strand). Cytogenetic location: 17q21.31.
Variant type: single nucleotide variant.
Coding change: c.5278-6T>A on transcript NM_007294.4 (MANE Select); 6 bases into the intron before coding-DNA position 5278, T replaced by A.
Molecular consequence: intron variant.
Genome position (GRCh38, 1-based): chr17:43,051,123, A>T on the plus strand (T>A on the coding strand, the complement: BRCA1 is on the minus strand). VCF-style: chr17-43051123-A-T. GRCh37 (hg19) VCF-style: chr17-41203140-A-T.
Other names: c.5131-6T>A (NM_001407847.1, NM_001407841.1, NM_001407838.1 and 12 more transcripts); c.5134-6T>A (NM_001407740.1, NM_001407739.1, NM_001407741.1 and 21 more transcripts); c.1705-6T>A (NM_001408499.1, NM_001408498.1, NM_001408501.1 and 3 more transcripts); c.5011-6T>A (NM_001407933.1, NM_001407927.1, NM_001407931.1 and 4 more transcripts); c.5014-6T>A (NM_001407923.1, NM_001407922.1, NM_001407925.1 and 4 more transcripts); c.5137-6T>A (NM_001407725.1, NM_001407727.1, NM_001407724.1 and 13 more transcripts); c.1849-6T>A (NM_001408422.1, NM_001408423.1, NM_001408421.1 and 1 more transcripts); c.5065-6T>A (NM_001407896.1, NM_001407900.1, NM_001407571.1 and 12 more transcripts); and 74 more.
Identifiers: ClinVar variation 867332 (VCV000867332.3), dbSNP rs1555575746, ClinGen allele CA916081056.